The following is an entry in ClinVar:

ClinVar aggregate classification (germline): Likely pathogenic. Review status: criteria provided, multiple submitters, no conflicts (2 of 4 stars). 2 submissions from 2 submitters: Likely pathogenic (2). Last evaluated 2024-03-25.

Conditions:
Bartter disease type 1. Also called: HYPERPROSTAGLANDIN E SYNDROME 1; Bartter syndrome, type 1, antenatal; HYPOKALEMIC ALKALOSIS WITH HYPERCALCIURIA 1, ANTENATAL; Bartter Syndrome type 1. Identifiers: Orphanet 112, Orphanet 620217, MedGen C1866495, MONDO:0100344, OMIM 601678, MONDO:0011127.

Submissions (2):

Genomic Medicine Center of Excellence, King Faisal Specialist Hospital and Research Centre
Classification: Likely pathogenic for Bartter disease type 1. Last evaluated: 2024-03-25. Review status: criteria provided, single submitter. Criteria: ACMG Guidelines, 2015. Collection method: clinical testing. Allele origin: germline.

Baylor Genetics
Classification: Likely pathogenic for Bartter disease type 1. Last evaluated: 2019-09-27. Review status: criteria provided, single submitter. Criteria: ACMG Guidelines, 2015. Collection method: clinical testing. Allele origin: unknown. Affected: yes.
Comment: This variant was determined to be likely pathogenic according to ACMG Guidelines, 2015 [PMID:25741868].

NM_000338.3(SLC12A1):c.1834G>A (p.Gly612Arg)

Genes: SLC12A1 (solute carrier family 12 member 1; plus strand), LOC126862123 (CDK7 strongly-dependent group 2 enhancer GRCh37_chr15:48543423-48544622; plus strand). Cytogenetic location: 15q21.1.
Variant type: single nucleotide variant.
Coding change: c.1834G>A on transcript NM_000338.3 (MANE Select); coding-DNA position 1834, G replaced by A.
Protein change: p.Gly612Arg; replaces glycine 612 with arginine.
Molecular consequence: missense variant.
Genome position (GRCh38, 1-based): chr15:48,251,662, G>A. VCF-style: chr15-48251662-G-A. GRCh37 (hg19) VCF-style: chr15-48543859-G-A.
Other names: c.1834G>A, p.Gly612Arg (NM_001184832.2, NM_001384136.1); short protein forms G612R.
Identifiers: ClinVar variation 1028203 (VCV001028203.2), dbSNP rs2041650191, ClinGen allele CA392313492.
Genomic context (GRCh38, chr15:48,251,662, plus strand): 5'-ATTTTGTTTTCAGGATGGAGACCTGCGTATGGAATTTACAACATGTGGGTATCTCTTTTT[G>A]GAGCTGTTTTGTGCTGTGCAGTCATGTTTGTCATCAACTGGTGGGCAGCTGTCATCACCT-3'
Protein context (NP_000329.2, residues 602-622): GIYNMWVSLF[Gly612Arg]AVLCCAVMFV